The following is an entry in ClinVar:

NM_001563.4(IMPG1):c.1063C>T (p.Leu355Phe)

Gene: IMPG1 (interphotoreceptor matrix proteoglycan 1; minus strand). Cytogenetic location: 6q14.1.
Variant type: single nucleotide variant.
Coding change: c.1063C>T on transcript NM_001563.4 (MANE Select); coding-DNA position 1063, C replaced by T.
Protein change: p.Leu355Phe; replaces leucine 355 with phenylalanine.
Molecular consequence: missense variant.
Genome position (GRCh38, 1-based): chr6:76,005,359, G>A on the plus strand (C>T on the coding strand, the complement: IMPG1 is on the minus strand). VCF-style: chr6-76005359-G-A. GRCh37 (hg19) VCF-style: chr6-76715076-G-A.
Other names: c.829C>T, p.Leu277Phe (NM_001282368.2); short protein forms L355F, L277F.
Identifiers: ClinVar variation 1360586 (VCV001360586.8), dbSNP rs942809235, ClinGen allele CA141083715.
Genomic context (GRCh38, chr6:76,005,359, plus strand): 5'-GAATTGTCCCCACATCCAAAGATTGTTCTTCCTCTAGTGCTTTGCTGATCAGCCTTTTGA[G>A]GTCTGTAGCTGTGAGATAGATTTCTGGTTGCTTGTCCTCCTCCATGGTTCCATGATAGAC-3'
Protein context (NP_001554.2, residues 345-365): QPEIYLTATD[Leu355Phe]KRLISKALEE

ClinVar aggregate classification (germline): Uncertain significance (1 of 4 stars; one submission).

Allele frequency attached by ClinVar (database versions not stated): gnomAD exomes below 0.00001.
gnomAD v4.1: 1 of 1,613,912 alleles (0.000062%); highest among the groups gnomAD compares: Non-Finnish European, 0.000085%; no homozygotes.

Submission:

Labcorp Genetics (formerly Invitae), Labcorp
Classification: Uncertain significance. Last evaluated: 2025-01-29. Review status: criteria provided, single submitter. Criteria: Invitae Variant Classification Sherloc (09022015). Collection method: clinical testing. Allele origin: germline.
Comment: This sequence change replaces leucine, which is neutral and non-polar, with phenylalanine, which is neutral and non-polar, at codon 355 of the IMPG1 protein (p.Leu355Phe). This variant is not present in population databases (gnomAD no frequency). This missense change has been observed in individual(s) with clinical features of autosomal dominant retinitis pigmentosa (internal data). ClinVar contains an entry for this variant (Variation ID: 1360586). An algorithm developed to predict the effect of missense changes on protein structure and function outputs the following: PolyPhen-2: "Benign". The phenylalanine amino acid residue is found in multiple mammalian species, which suggests that this missense change does not adversely affect protein function. In summary, the available evidence is currently insufficient to determine the role of this variant in disease. Therefore, it has been classified as a Variant of Uncertain Significance.